The following is an entry in ClinVar:

ClinVar aggregate classification (germline): Conflicting classifications of pathogenicity. Review status: criteria provided, conflicting classifications (1 of 4 stars). 4 submissions from 4 submitters: Uncertain significance (1); Likely benign (3). Last evaluated 2026-04-14.

Conditions:
Hereditary cancer-predisposing syndrome. Also called: Neoplastic Syndromes, Hereditary; Hereditary Cancer Syndrome; Hereditary neoplastic syndrome; Tumor predisposition. Identifiers: Orphanet 140162, MedGen C0027672, MeSH D009386, MONDO:0015356.
DICER1-related tumor predisposition. Also called: DICER1-related pleuropulmonary blastoma cancer predisposition syndrome; DICER1 syndrome. Identifiers: Orphanet 284343, MedGen C3839822, MONDO:0100216.

Allele frequency attached by ClinVar (database versions not stated): gnomAD 0.00004 and 0.00003; gnomAD exomes below 0.00001; TOPMed 0.00002; ExAC 0.00001.
gnomAD v4.1: 7 of 1,613,812 alleles (0.00043%); highest among the groups gnomAD compares: African/African-American, 0.0093%; no homozygotes.

Submissions (4):

Myriad Genetics, Inc.
Classification: Likely benign for DICER1-related tumor predisposition. Last evaluated: 2026-04-14. Review status: criteria provided, single submitter. Criteria: Myriad Autosomal Dominant, Autosomal Recessive and X-Linked Classification Criteria (2023). Collection method: clinical testing. Allele origin: unknown.
Comment: This variant is considered likely benign. This variant is intronic and is not expected to impact mRNA splicing.

Labcorp Genetics (formerly Invitae), Labcorp
Classification: Likely benign for DICER1-related tumor predisposition. Last evaluated: 2025-11-19. Review status: criteria provided, single submitter. Criteria: Invitae Variant Classification Sherloc (09022015). Collection method: clinical testing. Allele origin: germline.

Ambry Genetics
Classification: Likely benign for Hereditary cancer-predisposing syndrome. Last evaluated: 2023-05-24. Review status: criteria provided, single submitter. Criteria: Ambry Variant Classification Scheme 2023. Collection method: clinical testing. Allele origin: germline.

Sema4
Classification: Uncertain significance for Hereditary cancer-predisposing syndrome. Last evaluated: 2021-09-29. Review status: criteria provided, single submitter. Criteria: Sema4 Curation Guidelines. Collection method: curation. Allele origin: germline.
Comment: The DICER1 c.4051-4A>G variant has not been reported in literature to our knowledge. This variant was observed in 3/24958 chromosomes in the African/African American population according to the Genome Aggregation Database (PMID: PMID: 32461654). This variant has been reported in ClinVar (Variation ID 543717). In silico tools suggest the impact of the variant on protein function is benign, though these predictions have not been confirmed by functional studies. There is no indication that this variant causes disease, but the evidence is insufficient currently to prove that conclusively. In summary, the clinical significance of this variant is currently uncertain.

NM_177438.3(DICER1):c.4051-4A>G

Gene: DICER1 (dicer 1, ribonuclease III; minus strand). Cytogenetic location: 14q32.13.
Variant type: single nucleotide variant.
Coding change: c.4051-4A>G on transcript NM_177438.3 (MANE Select); 4 bases into the intron before coding-DNA position 4051, A replaced by G.
Molecular consequence: intron variant.
Genome position (GRCh38, 1-based): chr14:95,099,939, T>C on the plus strand (A>G on the coding strand, the complement: DICER1 is on the minus strand). VCF-style: chr14-95099939-T-C. GRCh37 (hg19) VCF-style: chr14-95566276-T-C.
Other names: c.4051-4A>G (NM_001291628.2, NM_030621.4, NM_001271282.3 and 1 more transcripts).
Identifiers: ClinVar variation 543717 (VCV000543717.18), dbSNP rs755235399, ClinGen allele CA7330945.